The following is an entry in ClinVar:

NM_001854.4(COL11A1):c.5231A>G (p.Tyr1744Cys)

Genes: COL11A1 (collagen type XI alpha 1 chain; minus strand), LOC126805814 (P300/CBP strongly-dependent group 1 enhancer GRCh37_chr1:103344928-103346127; plus strand). Cytogenetic location: 1p21.1.
Variant type: single nucleotide variant.
Coding change: c.5231A>G on transcript NM_001854.4 (MANE Select); coding-DNA position 5231, A replaced by G.
Protein change: p.Tyr1744Cys; replaces tyrosine 1744 with cysteine.
Molecular consequence: missense variant. On other transcripts: non-coding transcript variant (1).
Genome position (GRCh38, 1-based): chr1:102,879,726, T>C on the plus strand (A>G on the coding strand, the complement: COL11A1 is on the minus strand). VCF-style: chr1-102879726-T-C. GRCh37 (hg19) VCF-style: chr1-103345282-T-C.
Other names: c.5114A>G, p.Tyr1705Cys (NM_001190709.2); c.5267A>G, p.Tyr1756Cys (NM_080629.3); c.4883A>G, p.Tyr1628Cys (NM_080630.4); short protein forms Y1744C, Y1756C, Y1628C, Y1705C.
Identifiers: ClinVar variation 1508766 (VCV001508766.10), dbSNP rs769329430, ClinGen allele CA973287.

ClinVar aggregate classification (germline): Conflicting classifications of pathogenicity. Review status: criteria provided, conflicting classifications (1 of 4 stars). 2 submissions from 2 submitters: Uncertain significance (1); Benign (1). Last evaluated 2022-02-24.

Conditions:
Stickler syndrome type 2 (STL2). Also called: COL11A1-Related Stickler Syndrome; STICKLER SYNDROME, BEADED VITREOUS TYPE; STICKLER SYNDROME, VITREOUS TYPE 2; STICKLER SYNDROME, TYPE II. Identifiers: Orphanet 828, Orphanet 90654, MedGen C1858084, MONDO:0011493, OMIM 604841.
Hearing loss, autosomal dominant 37. Also called: DEAFNESS, AUTOSOMAL DOMINANT 37. Identifiers: MedGen C4760307, MONDO:0032802, OMIM 618533.
Intervertebral disc disorder (IDD). Also called: INTERVERTEBRAL DISC DISEASE; Lumbar disk degenerative disorder. Identifiers: MedGen C0158252, MONDO:0044339, OMIM 603932.
Marshall syndrome (MRSHS). Identifiers: Orphanet 560, MedGen C0265235, MONDO:0007949, OMIM 154780.
Fibrochondrogenesis 1 (FBCG1). Identifiers: Orphanet 2021, MedGen C3278138, MONDO:0009226, OMIM 228520.

gnomAD v4.1: 3 of 1,613,936 alleles (0.00019%); highest among the groups gnomAD compares: South Asian, 0.0022%; no homozygotes.

Submissions (2):

Labcorp Genetics (formerly Invitae), Labcorp
Classification: Benign. Last evaluated: 2022-02-24. Review status: criteria provided, single submitter. Criteria: Invitae Variant Classification Sherloc (09022015). Collection method: clinical testing. Allele origin: germline.

Juno Genomics, Hangzhou Juno Genomics, Inc
Classification: Uncertain significance for Hearing loss, autosomal dominant 37; Fibrochondrogenesis 1; Marshall syndrome; Stickler syndrome type 2; Intervertebral disc disorder. Review status: criteria provided, single submitter. Criteria: ACMG Guidelines, 2015. Collection method: clinical testing. Allele origin: germline. Affected: yes.
Comment: Absent from controls (or at extremely low frequency if recessive) in Genome Aggregation Database, Exome Sequencing Project, 1000 Genomes Project, or Exome Aggregation Consortium.